The following is an entry in ClinVar:

ClinVar aggregate classification (germline): Likely pathogenic. Review status: criteria provided, multiple submitters, no conflicts (2 of 4 stars). 2 submissions from 2 submitters: Likely pathogenic (2). Last evaluated 2022-11-04.

Conditions:
OFD1-related disorder. Also called: OFD1-related condition.

Submissions (2):

Blueprint Genetics
Classification: Likely pathogenic for OFD1-related disorders. Last evaluated: 2022-11-04. Review status: criteria provided, single submitter. Criteria: ACMG Guidelines, 2015. Collection method: clinical testing. Allele origin: germline. Affected: yes. Observed: 1 variant allele.

GeneDx
Classification: Likely pathogenic. Last evaluated: 2018-01-23. Review status: criteria provided, single submitter. Criteria: GeneDx Variant Classification (06012015). Collection method: clinical testing. Allele origin: germline. Affected: yes.
Comment: The c.655-8 A>G variant has been reported apparently de novo in a patient with a clinical diagnosis of oral-facial-digital syndrome (Bruel et al., 2017). The c.655-8 A>G variant is not observed in large population cohorts (Lek et al., 2016). Several in silico splice prediction models predict that c.655-8 A>G destroys the natural splice acceptor site which may lead to abnormal gene splicing. However, in the absence of RNA/functional studies, the actual effect of this sequence change in this individual is unknown. Therefore, this variant is likely pathogenic; however, the possibility that it is benign cannot be excluded.

NM_003611.3(OFD1):c.655-8A>G

Gene: OFD1 (OFD1 centriole and centriolar satellite protein; plus strand). Cytogenetic location: Xp22.2.
Variant type: single nucleotide variant.
Coding change: c.655-8A>G on transcript NM_003611.3 (MANE Select); 8 bases into the intron before coding-DNA position 655, A replaced by G.
Molecular consequence: intron variant.
Genome position (GRCh38, 1-based): chrX:13,746,772, A>G. VCF-style: chrX-13746772-A-G. GRCh37 (hg19) VCF-style: chrX-13764891-A-G.
Other names: c.235-8A>G (NM_001330210.2); c.655-8A>G (NM_001330209.2).
Identifiers: ClinVar variation 489381 (VCV000489381.2), dbSNP rs1555902797, ClinGen allele CA658684277.